The following is an entry in ClinVar:

ClinVar aggregate classification (germline): Pathogenic (1 of 4 stars; one submission).

Submission:

Genetic Services Laboratory, University of Chicago
Classification: Pathogenic. Last evaluated: 2020-07-02. Review status: criteria provided, single submitter. Criteria: ACMG Guidelines, 2015. Collection method: clinical testing. Allele origin: germline. Affected: yes.
Comment: DNA sequence analysis of the HNF1B gene demonstrated a 6 base pair deletion in exon 3 which includes the canonical splice donor site of intron 3, c.807_809+3del. This deletion is absent from large population databases (ExAC and gnomAD). This sequence change is predicted to result in the deletion of two amino acid residues and an insertion of a Lysine residue, p.Asn269_Arg270delinsLys. Based on in silico splice prediction programs, this sequence change likely affects normal splicing of the HNF1B gene, which would result in an abnormal protein, however functional studies have not been performed to prove this conclusively. While this particular deletion has not been described in the literature, one other sequence changes affecting the splice donor site of intron 3 in the HNF1B gene have been reported in patients with longstanding hyperglycemia and exocrine pancreatic insufficiency, with a phenotype consistent with renal cysts and diabetes syndrome (MODY5). Heterozygous pathogenic variants in the HNF1B gene have been associated with renal cysts and diabetes syndrome (also known as maturity-onset diabetes of the young 5 (MODY 5)) [OMIM# 137920].

NM_000458.4(HNF1B):c.807_809+3del

Genes: HNF1B (HNF1 homeobox B; minus strand), LOC126862549 (BRD4-independent group 4 enhancer GRCh37_chr17:36093401-36094600; plus strand). Cytogenetic location: 17q12.
Variant type: Deletion.
Coding change: c.807_809+3del on transcript NM_000458.4 (MANE Select); coding-DNA position 807 through 3 bases into the intron after coding-DNA position 809, 6 bases deleted (CAGGTA; older notation c.807_809+3delCAGGTA).
Molecular consequence: splice donor variant.
Genome position (GRCh38, 1-based): chr17:37,733,554-37,733,559, TACCTG deleted on the plus strand (CAGGTA on the coding strand, the reverse complement: HNF1B is on the minus strand); deleting any 6 consecutive bases within chr17:37,733,554-37,733,560 gives the same sequence; the c. name uses the placement nearest the transcript's 3' end. VCF-style (leftmost placement, unchanged base first): chr17-37733553-TTACCTG-T. GRCh37 (hg19) VCF-style: chr17-36093546-TTACCTG-T.
Other names: c.729_731+3del (NM_001304286.2, NM_001165923.4).
Identifiers: ClinVar variation 1338597 (VCV001338597.4), dbSNP rs2147552486, ClinGen allele CA2573054420.